The following is an entry in ClinVar:

ClinVar aggregate classification (germline): Uncertain significance (1 of 4 stars; one submission).

Conditions:
Muscular dystrophy-dystroglycanopathy type B6 (MDDGB6). Also called: MUSCULAR DYSTROPHY-DYSTROGLYCANOPATHY (CONGENITAL WITH IMPAIRED INTELLECTUAL DEVELOPMENT), TYPE B, 6; MUSCULAR DYSTROPHY, CONGENITAL, LARGE-RELATED; MUSCULAR DYSTROPHY, CONGENITAL, TYPE 1D. Identifiers: MedGen C1837229, MONDO:0012138, OMIM 608840.

Allele frequency attached by ClinVar (database versions not stated): gnomAD 0.00001; TOPMed 0.00002.
gnomAD v4.1: 4 of 1,607,618 alleles (0.00025%); highest among the groups gnomAD compares: African/African-American, 0.004%; no homozygotes.

Submission:

Labcorp Genetics (formerly Invitae), Labcorp
Classification: Uncertain significance for Muscular dystrophy-dystroglycanopathy type B6. Last evaluated: 2024-10-29. Review status: criteria provided, single submitter. Criteria: Invitae Variant Classification Sherloc (09022015). Collection method: clinical testing. Allele origin: germline.
Comment: This sequence change replaces methionine, which is neutral and non-polar, with threonine, which is neutral and polar, at codon 69 of the LARGE1 protein (p.Met69Thr). This variant is not present in population databases (gnomAD no frequency). This variant has not been reported in the literature in individuals affected with LARGE1-related conditions. ClinVar contains an entry for this variant (Variation ID: 645196). An algorithm developed to predict the effect of missense changes on protein structure and function (PolyPhen-2) suggests that this variant is likely to be tolerated. In summary, the available evidence is currently insufficient to determine the role of this variant in disease. Therefore, it has been classified as a Variant of Uncertain Significance.

NM_133642.5(LARGE1):c.206T>C (p.Met69Thr)

Gene: LARGE1 (LARGE xylosyl- and glucuronyltransferase 1; minus strand). Cytogenetic location: 22q12.3.
Variant type: single nucleotide variant.
Coding change: c.206T>C on transcript NM_133642.5 (MANE Select); coding-DNA position 206, T replaced by C.
Protein change: p.Met69Thr; replaces methionine 69 with threonine.
Molecular consequence: missense variant.
Genome position (GRCh38, 1-based): chr22:33,650,569, A>G on the plus strand (T>C on the coding strand, the complement: LARGE1 is on the minus strand). VCF-style: chr22-33650569-A-G. GRCh37 (hg19) VCF-style: chr22-34046555-A-G.
Other names: c.206T>C, p.Met69Thr (NM_001362949.2, NM_001362951.2, NM_001362953.2 and 7 more transcripts); short protein forms M69T.
Identifiers: ClinVar variation 645196 (VCV000645196.8), dbSNP rs1602977812, ClinGen allele CA411546412.